The following is an entry in ClinVar:

ClinVar aggregate classification (germline): Uncertain significance (1 of 4 stars; one submission).

Conditions:
Spondyloepimetaphyseal dysplasia with joint laxity (SEMDJL). Identifiers: MedGen C0432243, MONDO:0019675.
Ehlers-Danlos syndrome, spondylodysplastic type, 2 (EDSSPD2). Also called: Ehlers-Danlos syndrome, progeroid type, 2. Identifiers: Orphanet 536467, Orphanet 75496, MedGen C3809210, MONDO:0014139, OMIM 615349.

Allele frequency attached by ClinVar (database versions not stated): gnomAD exomes below 0.00001.
gnomAD v4.1: 2 of 1,564,854 alleles (0.00013%); highest among the groups gnomAD compares: East Asian, 0.0023%; no homozygotes.

Submission:

Labcorp Genetics (formerly Invitae), Labcorp
Classification: Uncertain significance for Ehlers-Danlos syndrome, spondylodysplastic type, 2; Spondyloepimetaphyseal dysplasia with joint laxity. Last evaluated: 2021-11-12. Review status: criteria provided, single submitter. Criteria: Invitae Variant Classification Sherloc (09022015). Collection method: clinical testing. Allele origin: germline.
Comment: In summary, the available evidence is currently insufficient to determine the role of this variant in disease. Therefore, it has been classified as a Variant of Uncertain Significance. Algorithms developed to predict the effect of missense changes on protein structure and function (SIFT, PolyPhen-2, Align-GVGD) all suggest that this variant is likely to be disruptive. This variant has not been reported in the literature in individuals affected with B3GALT6-related conditions. The frequency data for this variant in the population databases is considered unreliable, as metrics indicate poor data quality at this position in the gnomAD database. This sequence change replaces glycine, which is neutral and non-polar, with serine, which is neutral and polar, at codon 216 of the B3GALT6 protein (p.Gly216Ser).

NM_080605.4(B3GALT6):c.646G>A (p.Gly216Ser)

Gene: B3GALT6 (beta-1,3-galactosyltransferase 6; plus strand). Cytogenetic location: 1p36.33.
Variant type: single nucleotide variant.
Coding change: c.646G>A on transcript NM_080605.4 (MANE Select); coding-DNA position 646, G replaced by A.
Protein change: p.Gly216Ser; replaces glycine 216 with serine.
Molecular consequence: missense variant.
Genome position (GRCh38, 1-based): chr1:1,232,924, G>A. VCF-style: chr1-1232924-G-A. GRCh37 (hg19) VCF-style: chr1-1168304-G-A.
Other names: short protein forms G216S.
Identifiers: ClinVar variation 1387107 (VCV001387107.6), dbSNP rs866914942, ClinGen allele CA337828081.
Genomic context (GRCh38, chr1:1,232,924, plus strand): 5'-GGGCGCTGGCGCGAGGCCGCCTGGCAACTCTGCGACTACTACCTGCCCTACGCGCTGGGC[G>A]GCGGCTACGTGCTCTCGGCCGACCTGGTGCACTACCTGCGCCTCAGCCGCGACTACCTGC-3'
Protein context (NP_542172.2, residues 206-226): CDYYLPYALG[Gly216Ser]GYVLSADLVH